The following is an entry in ClinVar:

GRCh38/hg38 6p12.3-12.1(chr6:48658539-53199515)x1

Genes: C6orf141 (chromosome 6 open reading frame 141; plus strand), CENPQ (centromere protein Q; plus strand), CILK1 (ciliogenesis associated kinase 1; minus strand), CRISP1 (cysteine rich secretory protein 1; minus strand), CRISP2 (cysteine rich secretory protein 2; minus strand) and 123 more. Cytogenetic location: 6p12.3-12.1.
Variant type: copy number loss.
Change: copy number 1 (one copy instead of two) of chr6:48,658,539-53,199,515 (4.54 Mb, GRCh38 coordinates, 1-based), cytogenetic band 6p12.3-12.1.
Identifiers: ClinVar variation 4852065 (VCV004852065.1).

ClinVar aggregate classification (germline): Pathogenic (1 of 4 stars; one submission).

Submission:

Clinical Genomics Laboratory, Laboratory for Precision Diagnostics, University of Washington
Classification: Pathogenic. Last evaluated: 2022-10-26. Review status: criteria provided, single submitter. Criteria: ACMG/ClinGen CNV Guidelines, 2019. Collection method: clinical testing. Allele origin: unknown. Affected: yes. Observed: 1 variant allele.
Comment: This interstitial deletion is approximately 4.54 Mb in size and contains 31 protein-coding genes, including the entirety of TFAP2B. Heterozygous loss of function variants in TFAP2B have been found in people with Char syndrome, the common features of which are distinctive facial features, absence or underdevelopment of the middle phalanx of the fifth finger, and patent ductus arteriosus. They have also been found in people with isolated patent ductus arteriosus, craniosynostosis, and gastrointestinal dysmotility (see references). Penetrance is incomplete, as evidenced by the detection of TFAP2B loss of function variants in healthy control populations (DGV nsv1030072, gnomAD 6-50836057-CTAG-C, 6-50823723-C-A, 6-50838006-C-T, 6-50836095-GA-G). This deletion also encompasses two genes, MMUT and PKHD1, that are associated with autosomal recessive conditions. There are currently no 6p12 deletions with similar breakpoints to the one identified in this fetus that have been reported in the medical literature, control populations (Database of Genomic Variants), or databases of copy number variants associated with phenotypic abnormalities (ClinVar, DECIPHER).

Literature cited by the submitters: PubMed 21643846; PubMed 24507797; PubMed 18752453; PubMed 15684060; PubMed 30579973; PubMed 31292255; PubMed 35874825.